The following is an entry in ClinVar:

ClinVar aggregate classification (germline): Uncertain significance (1 of 4 stars; one submission).

Submission:

Labcorp Genetics (formerly Invitae), Labcorp
Classification: Uncertain significance. Last evaluated: 2025-09-30. Review status: criteria provided, single submitter. Criteria: Invitae Variant Classification Sherloc (09022015). Collection method: clinical testing. Allele origin: germline.
Comment: This sequence change falls in intron 21 of the ELP1 gene. It does not directly change the encoded amino acid sequence of the ELP1 protein. It affects a nucleotide within the consensus splice site. This variant is not present in population databases (gnomAD no frequency). This variant has not been reported in the literature in individuals affected with ELP1-related conditions. Variants that disrupt the consensus splice site are a relatively common cause of aberrant splicing (PMID: 17576681, 9536098). Algorithms developed to predict the effect of sequence changes on RNA splicing suggest that this variant is not likely to affect RNA splicing. In summary, the available evidence is currently insufficient to determine the role of this variant in disease. Therefore, it has been classified as a Variant of Uncertain Significance.

Literature cited by the submitters: PubMed 17576681; PubMed 9536098.

NM_003640.5(ELP1):c.2284-3T>C

Gene: ELP1 (elongator acetyltransferase complex subunit 1; minus strand). Cytogenetic location: 9q31.3.
Variant type: single nucleotide variant.
Coding change: c.2284-3T>C on transcript NM_003640.5 (MANE Select); 3 bases into the intron before coding-DNA position 2284, T replaced by C.
Molecular consequence: intron variant.
Genome position (GRCh38, 1-based): chr9:108,898,584, A>G on the plus strand (T>C on the coding strand, the complement: ELP1 is on the minus strand). VCF-style: chr9-108898584-A-G. GRCh37 (hg19) VCF-style: chr9-111660864-A-G.
Other names: c.1942-3T>C (NM_001318360.2); c.1237-3T>C (NM_001330749.2).
Identifiers: ClinVar variation 4728143 (VCV004728143.1).